The following is an entry in ClinVar:

NM_032242.4(PLXNA1):c.5232-9C>T

Gene: PLXNA1 (plexin A1; plus strand). Cytogenetic location: 3q21.3.
Variant type: single nucleotide variant.
Coding change: c.5232-9C>T on transcript NM_032242.4 (MANE Select); 9 bases into the intron before coding-DNA position 5232, C replaced by T.
Molecular consequence: intron variant.
Genome position (GRCh38, 1-based): chr3:127,032,378, C>T. VCF-style: chr3-127032378-C-T. GRCh37 (hg19) VCF-style: chr3-126751221-C-T.
Identifiers: ClinVar variation 737840 (VCV000737840.10), dbSNP rs370468399, ClinGen allele CA2594658.

ClinVar aggregate classification (germline): Benign. Review status: criteria provided, multiple submitters, no conflicts (2 of 4 stars). 3 submissions from 3 submitters: Benign (2). 1 of the submissions does not count toward it. Last evaluated 2024-03-15.

Conditions:
PLXNA1-related disorder. Also called: PLXNA1-related condition.

Allele frequency attached by ClinVar (database versions not stated): ESP Exome Variant Server 0.00146; gnomAD 0.00115 and 0.00120; 1000 Genomes Project 30x 0.00125; 1000 Genomes Project 0.00080; ExAC 0.00049; TOPMed 0.00138.
gnomAD v4.1: 376 of 1,613,066 alleles (0.023%); highest among the groups gnomAD compares: African/African-American, 0.43%; 2 homozygotes.

Submissions (3):

Labcorp Genetics (formerly Invitae), Labcorp
Classification: Benign. Last evaluated: 2024-03-15. Review status: criteria provided, single submitter. Criteria: Invitae Variant Classification Sherloc (09022015). Collection method: clinical testing. Allele origin: germline.

Breakthrough Genomics
Classification: Benign. Review status: criteria provided, single submitter. Criteria: ACMG Guidelines, 2015. Collection method: not provided. Allele origin: germline. Inheritance: Autosomal recessive inheritance. Affected: yes.

PreventionGenetics, part of Exact Sciences
Classification: Likely benign for PLXNA1-related condition. Last evaluated: 2019-08-22. Review status: no assertion criteria provided. Collection method: clinical testing. Allele origin: germline. Not counted in ClinVar's aggregate classification.
Comment: This variant is classified as likely benign based on ACMG/AMP sequence variant interpretation guidelines (Richards et al. 2015 PMID: 25741868, with internal and published modifications).